The following is an entry in ClinVar:

NM_000245.4(MET):c.3356G>C (p.Gly1119Ala)

Gene: MET (MET proto-oncogene, receptor tyrosine kinase; plus strand). Cytogenetic location: 7q31.2.
Variant type: single nucleotide variant.
Coding change: c.3356G>C on transcript NM_000245.4 (MANE Select); coding-DNA position 3356, G replaced by C.
Protein change: p.Gly1119Ala; replaces glycine 1119 with alanine.
Molecular consequence: missense variant.
Genome position (GRCh38, 1-based): chr7:116,778,791, G>C. VCF-style: chr7-116778791-G-C. GRCh37 (hg19) VCF-style: chr7-116418845-G-C.
Other names: c.3410G>C, p.Gly1137Ala (NM_001127500.3); c.2066G>C, p.Gly689Ala (NM_001324402.2); short protein forms G1137A, G1119A, G689A.
Identifiers: ClinVar variation 41625 (VCV000041625.26), dbSNP rs201037977, ClinGen allele CA215657.

ClinVar aggregate classification (germline): Conflicting classifications of pathogenicity. Review status: criteria provided, conflicting classifications (1 of 4 stars). 9 submissions from 9 submitters: Uncertain significance (6); Likely benign (2). 1 of the submissions does not count toward it. Last evaluated 2025-12-30.

Conditions:
Renal cell carcinoma. Identifiers: Orphanet 217071, MedGen C0007134, MeSH D002292, MONDO:0005086, HP:0005584.
Autosomal recessive nonsyndromic hearing loss 97. Also called: Deafness, autosomal recessive 97. Identifiers: Orphanet 90636, MedGen C4084709, MONDO:0014739, OMIM 616705.
Hereditary cancer-predisposing syndrome. Also called: Tumor predisposition; Neoplastic Syndromes, Hereditary; Hereditary neoplastic syndrome; Hereditary Cancer Syndrome. Identifiers: Orphanet 140162, MedGen C0027672, MeSH D009386, MONDO:0015356.
Papillary renal cell carcinoma type 1 (RCCP1). Also called: RENAL CELL CARCINOMA, PAPILLARY, 1, SOMATIC; Renal adenocarcinoma; Renal cell carcinoma 1; Renal cell carcinoma, somatic. Identifiers: Orphanet 47044, MedGen C1336839, OMIM 605074, HP:0011797.

Allele frequency attached by ClinVar (database versions not stated): gnomAD 0.00003; gnomAD exomes 0.00004 and 0.00008; TOPMed 0.00004; ExAC 0.00006; 1000 Genomes Project 30x 0.00016; 1000 Genomes Project 0.00020.
gnomAD v4.1: 116 of 1,613,964 alleles (0.0072%); highest among the groups gnomAD compares: Non-Finnish European, 0.0087%; no homozygotes.

Submissions (9):

Labcorp Genetics (formerly Invitae), Labcorp
Classification: Uncertain significance for Renal cell carcinoma. Last evaluated: 2025-12-30. Review status: criteria provided, single submitter. Criteria: Invitae Variant Classification Sherloc (09022015). Collection method: clinical testing. Allele origin: germline.
Comment: This sequence change replaces glycine, which is neutral and non-polar, with alanine, which is neutral and non-polar, at codon 1137 of the MET protein (p.Gly1137Ala). This variant is present in population databases (rs201037977, gnomAD 0.009%). This missense change has been observed in individual(s) with breast cancer (PMID: 35264596). ClinVar contains an entry for this variant (Variation ID: 41625). Invitae Evidence Modeling of protein sequence and biophysical properties (such as structural, functional, and spatial information, amino acid conservation, physicochemical variation, residue mobility, and thermodynamic stability) indicates that this missense variant is not expected to disrupt MET protein function with a negative predictive value of 80%. In summary, the available evidence is currently insufficient to determine the role of this variant in disease. Therefore, it has been classified as a Variant of Uncertain Significance.

Center for Genomic Medicine, Rigshospitalet, Copenhagen University Hospital
Classification: Uncertain significance. Last evaluated: 2025-12-29. Review status: criteria provided, single submitter. Criteria: ACMG Guidelines, 2015. Collection method: clinical testing. Allele origin: germline.
Comment: Classification criteria: BP4

Women's Health and Genetics/Laboratory Corporation of America, LabCorp
Classification: Likely benign. Last evaluated: 2024-11-04. Review status: criteria provided, single submitter. Criteria: LabCorp Variant Classification Summary - May 2015. Collection method: clinical testing. Allele origin: germline.
Comment: Variant summary: MET c.3410G>C (p.Gly1137Ala) results in a non-conservative amino acid change located in the Protein kinase domain (IPR000719) of the encoded protein sequence. Three of five in-silico tools predict a benign effect of the variant on protein function. The variant allele was found at a frequency of 4.4e-05 in 249146 control chromosomes (gnomAD). The observed variant frequency is approximately 29.4 fold of the estimated maximal expected allele frequency for a pathogenic variant in MET causing Papillary Renal Cell Carcinoma phenotype (1.5e-06). c.3410G>C has been reported in the literature in an individual affected with breast cancer. This report does not provide unequivocal conclusions about association of the variant with Papillary Renal Cell Carcinoma. To our knowledge, no experimental evidence demonstrating an impact on protein function has been reported. ClinVar contains an entry for this variant (Variation ID: 41625). Based on the evidence outlined above, the variant was classified as likely benign.

Blueprint Genetics
Classification: Uncertain significance. Last evaluated: 2024-07-23. Review status: criteria provided, single submitter. Criteria: ACMG Guidelines, 2015. Collection method: clinical testing. Allele origin: germline.

Baylor Genetics
Classification: Uncertain significance for Autosomal recessive nonsyndromic hearing loss 97. Last evaluated: 2024-03-25. Review status: criteria provided, single submitter. Criteria: ACMG Guidelines, 2015. Collection method: clinical testing. Allele origin: unknown.

GeneDx
Classification: Uncertain significance. Last evaluated: 2023-11-26. Review status: criteria provided, single submitter. Criteria: GeneDx Variant Classification Process June 2021. Collection method: clinical testing. Allele origin: germline. Affected: yes.
Comment: In silico analysis supports that this missense variant does not alter protein structure/function; Observed in individuals with breast or colorectal cancer (PMID: 29684080, 35264596); This variant is associated with the following publications: (PMID: 21774103, 22703879, 29684080, 35264596)

Ambry Genetics
Classification: Likely benign for Hereditary cancer-predisposing syndrome. Last evaluated: 2018-09-29. Review status: criteria provided, single submitter. Criteria: Ambry Variant Classification Scheme 2023. Collection method: clinical testing. Allele origin: germline.

Mendelics
Classification: Uncertain significance for Renal cell carcinoma, papillary, 1. Last evaluated: 2018-07-02. Review status: criteria provided, single submitter. Criteria: Mendelics Assertion Criteria 2017. Collection method: clinical testing. Allele origin: unknown.

Biesecker Lab/Clinical Genomics Section, National Institutes of Health
Classification: Uncertain significance. Last evaluated: 2012-07-13. Review status: no assertion criteria provided. Collection method: research. Allele origin: germline. Affected: no. Observed: 1 variant allele. Study: ClinSeq. Not counted in ClinVar's aggregate classification.
ClinVar note: Converted during submission from variant of unknown significance to Uncertain significance.

Literature cited by the submitters: PubMed 35264596 (cited by Labcorp Genetics (formerly Invitae), Labcorp and Women's Health and Genetics/Laboratory Corporation of America, LabCorp).